The following is an entry in ClinVar:

NM_001253697.2(ERBIN):c.1700A>C (p.Glu567Ala)

Gene: ERBIN (erbb2 interacting protein; plus strand). Cytogenetic location: 5q12.3.
Variant type: single nucleotide variant.
Coding change: c.1700A>C on transcript NM_001253697.2 (MANE Select); coding-DNA position 1700, A replaced by C.
Protein change: p.Glu567Ala; replaces glutamic acid 567 with alanine.
Molecular consequence: missense variant.
Genome position (GRCh38, 1-based): chr5:66,046,450, A>C. VCF-style: chr5-66046450-A-C. GRCh37 (hg19) VCF-style: chr5-65342278-A-C.
Other names: c.1700A>C, p.Glu567Ala (NM_001006600.3, NM_001253698.2, NM_001253699.2 and 1 more transcripts); c.1688A>C, p.Glu563Ala (NM_001253701.2); short protein forms E563A, E567A.
Identifiers: ClinVar variation 2752024 (VCV002752024.3), dbSNP rs2546786625, ClinGen allele CA359862692.

ClinVar aggregate classification (germline): Uncertain significance (1 of 4 stars; one submission).

Submission:

Labcorp Genetics (formerly Invitae), Labcorp
Classification: Uncertain significance. Last evaluated: 2023-08-23. Review status: criteria provided, single submitter. Criteria: Invitae Variant Classification Sherloc (09022015). Collection method: clinical testing. Allele origin: germline.
Comment: In summary, the available evidence is currently insufficient to determine the role of this variant in disease. Therefore, it has been classified as a Variant of Uncertain Significance. An algorithm developed to predict the effect of missense changes on protein structure and function (PolyPhen-2) suggests that this variant is likely to be tolerated. This variant has not been reported in the literature in individuals affected with ERBIN-related conditions. This variant is not present in population databases (gnomAD no frequency). This sequence change replaces glutamic acid, which is acidic and polar, with alanine, which is neutral and non-polar, at codon 567 of the ERBIN protein (p.Glu567Ala).